The following is an entry in ClinVar:

NM_001029883.3(PCARE):c.2437G>A (p.Ala813Thr)

Gene: PCARE (photoreceptor cilium actin regulator; minus strand). Cytogenetic location: 2p23.2.
Variant type: single nucleotide variant.
Coding change: c.2437G>A on transcript NM_001029883.3 (MANE Select); coding-DNA position 2437, G replaced by A.
Protein change: p.Ala813Thr; replaces alanine 813 with threonine.
Molecular consequence: missense variant.
Genome position (GRCh38, 1-based): chr2:29,071,825, C>T on the plus strand (G>A on the coding strand, the complement: PCARE is on the minus strand). VCF-style: chr2-29071825-C-T. GRCh37 (hg19) VCF-style: chr2-29294691-C-T.
Other names: short protein forms A813T.
Identifiers: ClinVar variation 1514334 (VCV001514334.8), dbSNP rs1321727253, ClinGen allele CA346477539.
Genomic context (GRCh38, chr2:29,071,825, plus strand): 5'-GTGGAGGGAGGTGCTCGAGGTTCCCCTCCATTTCACAGCTGAGCTCCTCACTCTTGGCTG[C>T]TTCTGCTTTAGGCAGAGGGGGAAAGATAGGTGCTAAGGGCTTCCAGCCTATGCCCATTTT-3'
Protein context (NP_001025054.1, residues 803-823): PIFPPLPKAE[Ala813Thr]AKSEELSCEM

ClinVar aggregate classification (germline): Uncertain significance (1 of 4 stars; one submission).

Allele frequency attached by ClinVar (database versions not stated): gnomAD exomes below 0.00001; gnomAD 0.00001; TOPMed 0.00001.

Submission:

Labcorp Genetics (formerly Invitae), Labcorp
Classification: Uncertain significance. Last evaluated: 2021-03-03. Review status: criteria provided, single submitter. Criteria: Invitae Variant Classification Sherloc (09022015). Collection method: clinical testing. Allele origin: germline.
Comment: In summary, the available evidence is currently insufficient to determine the role of this variant in disease. Therefore, it has been classified as a Variant of Uncertain Significance. Algorithms developed to predict the effect of missense changes on protein structure and function (SIFT, PolyPhen-2, Align-GVGD) all suggest that this variant is likely to be tolerated, but these predictions have not been confirmed by published functional studies and their clinical significance is uncertain. This variant has not been reported in the literature in individuals with PCARE-related conditions. This variant is not present in population databases (ExAC no frequency). This sequence change replaces alanine with threonine at codon 813 of the PCARE protein (p.Ala813Thr). The alanine residue is highly conserved and there is a small physicochemical difference between alanine and threonine.